The following is an entry in ClinVar:

NM_014363.6(SACS):c.9987T>A (p.Cys3329Ter)

Gene: SACS (sacsin molecular chaperone; minus strand). Cytogenetic location: 13q12.12.
Variant type: single nucleotide variant.
Coding change: c.9987T>A on transcript NM_014363.6 (MANE Select); coding-DNA position 9987, T replaced by A.
Protein change: p.Cys3329Ter; replaces cysteine 3329 with a stop codon.
Molecular consequence: nonsense.
Genome position (GRCh38, 1-based): chr13:23,333,889, A>T on the plus strand (T>A on the coding strand, the complement: SACS is on the minus strand). VCF-style: chr13-23333889-A-T. GRCh37 (hg19) VCF-style: chr13-23908028-A-T.
Other names: c.9546T>A, p.Cys3182Ter (NM_001278055.2); short protein forms C3182*, C3329*.
Identifiers: ClinVar variation 1452655 (VCV001452655.6), dbSNP rs2137578916, ClinGen allele CA387513217.
Genomic context (GRCh38, chr13:23,333,889, plus strand): 5'-TGACAACAAAGGAACAAATGCACTGTCTTTGGAACAGATTTTGTTCAAAGCAAGCTGAAT[A>T]CAGCCAGCTTTCATTAGAGCATGAAAAACTTTATCACTCTGGGCATTTGGAAAAACTGCA-3'

ClinVar aggregate classification (germline): Pathogenic (1 of 4 stars; one submission).

Conditions:
Spastic paraplegia. Identifiers: MedGen C0037772, HP:0001258.

Submission:

Labcorp Genetics (formerly Invitae), Labcorp
Classification: Pathogenic for Spastic paraplegia. Last evaluated: 2021-07-20. Review status: criteria provided, single submitter. Criteria: Invitae Variant Classification Sherloc (09022015). Collection method: clinical testing. Allele origin: germline.
Comment: For these reasons, this variant has been classified as Pathogenic. This variant disrupts a region of the SACS protein in which other variant(s) (p.Asn4549Asp) have been determined to be pathogenic (PMID: 15156359). This suggests that this is a clinically significant region of the protein, and that variants that disrupt it are likely to be disease-causing. This variant has not been reported in the literature in individuals affected with SACS-related conditions. This variant is not present in population databases (ExAC no frequency). This sequence change creates a premature translational stop signal (p.Cys3329*) in the SACS gene. While this is not anticipated to result in nonsense mediated decay, it is expected to disrupt the last 1251 amino acid(s) of the SACS protein.

Literature cited by the submitters: PubMed 15156359.